The following is an entry in ClinVar:

ClinVar aggregate classification (germline): Likely benign. Review status: criteria provided, multiple submitters, no conflicts (2 of 4 stars). 3 submissions from 3 submitters: Likely benign (3). Last evaluated 2025-08-12.

Allele frequency attached by ClinVar (database versions not stated): gnomAD 0.00006; ESP Exome Variant Server 0.00008; gnomAD exomes 0.00008 and 0.00011; TOPMed 0.00008; ExAC 0.00009.
gnomAD v4.1: 176 of 1,604,490 alleles (0.011%); highest among the groups gnomAD compares: Middle Eastern, 0.066%; 1 homozygote.

Submissions (3):

Mayo Clinic Laboratories, Mayo Clinic
Classification: Likely benign. Last evaluated: 2025-08-12. Review status: criteria provided, single submitter. Criteria: ACMG Guidelines, 2015. Collection method: clinical testing. Allele origin: germline. Observed: 1 variant allele.
Comment: BP4, BP7

Labcorp Genetics (formerly Invitae), Labcorp
Classification: Likely benign. Last evaluated: 2025-08-03. Review status: criteria provided, single submitter. Criteria: Invitae Variant Classification Sherloc (09022015). Collection method: clinical testing. Allele origin: germline.

Blueprint Genetics
Classification: Likely benign. Last evaluated: 2024-05-27. Review status: criteria provided, single submitter. Criteria: ACMG Guidelines, 2015. Collection method: clinical testing. Allele origin: germline.

Literature cited by the submitters: PubMed 33563058 (cited by Mayo Clinic Laboratories, Mayo Clinic).

NM_000878.5(IL2RB):c.89-6C>T

Gene: IL2RB (interleukin 2 receptor subunit beta; minus strand). Cytogenetic location: 22q12.3.
Variant type: single nucleotide variant.
Coding change: c.89-6C>T on transcript NM_000878.5 (MANE Select); 6 bases into the intron before coding-DNA position 89, C replaced by T.
Molecular consequence: intron variant.
Genome position (GRCh38, 1-based): chr22:37,143,641, G>A on the plus strand (C>T on the coding strand, the complement: IL2RB is on the minus strand). VCF-style: chr22-37143641-G-A. GRCh37 (hg19) VCF-style: chr22-37539681-G-A.
Other names: p.?; c.89-6C>T (NM_001346222.1, NM_001346223.2).
Identifiers: ClinVar variation 1562995 (VCV001562995.10), dbSNP rs375879383, ClinGen allele CA10216750.